The following is an entry in ClinVar:

NM_022041.4(GAN):c.1183G>C (p.Asp395His)

Gene: GAN (gigaxonin; plus strand). Cytogenetic location: 16q23.2.
Variant type: single nucleotide variant.
Coding change: c.1183G>C on transcript NM_022041.4 (MANE Select); coding-DNA position 1183, G replaced by C.
Protein change: p.Asp395His; replaces aspartic acid 395 with histidine.
Molecular consequence: missense variant.
Genome position (GRCh38, 1-based): chr16:81,363,890, G>C. VCF-style: chr16-81363890-G-C. GRCh37 (hg19) VCF-style: chr16-81397495-G-C.
Other names: c.544G>C, p.Asp182His (NM_001377486.1); short protein forms D395H, D182H.
Identifiers: ClinVar variation 320656 (VCV000320656.11), dbSNP rs142456623, ClinGen allele CA8191641.

ClinVar aggregate classification (germline): Uncertain significance (1 of 4 stars; one submission).

Conditions:
Giant axonal neuropathy 1 (GAN1). Also called: GAN-Related Neurodegeneration; GIANT AXONAL NEUROPATHY 1, AUTOSOMAL RECESSIVE. Identifiers: Orphanet 643, MedGen C1850386, MONDO:0009749, OMIM 256850.

Allele frequency attached by ClinVar (database versions not stated): TOPMed 0.00012; 1000 Genomes Project 0.00040; 1000 Genomes Project 30x 0.00047.
gnomAD v4.1: 82 of 1,612,788 alleles (0.0051%); highest among the groups gnomAD compares: East Asian, 0.16%; 1 homozygote.

Submission:

Labcorp Genetics (formerly Invitae), Labcorp
Classification: Uncertain significance for Giant axonal neuropathy 1. Last evaluated: 2022-01-14. Review status: criteria provided, single submitter. Criteria: Invitae Variant Classification Sherloc (09022015). Collection method: clinical testing. Allele origin: germline.
Comment: This sequence change replaces aspartic acid, which is acidic and polar, with histidine, which is basic and polar, at codon 395 of the GAN protein (p.Asp395His). This variant is present in population databases (rs142456623, gnomAD 0.1%). This variant has not been reported in the literature in individuals affected with GAN-related conditions. ClinVar contains an entry for this variant (Variation ID: 320656). Algorithms developed to predict the effect of missense changes on protein structure and function are either unavailable or do not agree on the potential impact of this missense change (SIFT: "Deleterious"; PolyPhen-2: "Probably Damaging"; Align-GVGD: "Class C0"). In summary, the available evidence is currently insufficient to determine the role of this variant in disease. Therefore, it has been classified as a Variant of Uncertain Significance.